The following is an entry in ClinVar:

NM_004618.5(TOP3A):c.1723A>G (p.Met575Val)

Gene: TOP3A (DNA topoisomerase III alpha; minus strand). Cytogenetic location: 17p11.2.
Variant type: single nucleotide variant.
Coding change: c.1723A>G on transcript NM_004618.5 (MANE Select); coding-DNA position 1723, A replaced by G.
Protein change: p.Met575Val; replaces methionine 575 with valine.
Molecular consequence: missense variant.
Genome position (GRCh38, 1-based): chr17:18,285,296, T>C on the plus strand (A>G on the coding strand, the complement: TOP3A is on the minus strand). VCF-style: chr17-18285296-T-C. GRCh37 (hg19) VCF-style: chr17-18188610-T-C.
Other names: c.1438A>G, p.Met480Val (NM_001320759.2); c.1723A>G (NM_004618.3); short protein forms M575V, M480V.
Identifiers: ClinVar variation 636248 (VCV000636248.5), dbSNP rs372121045, ClinGen allele CA8429792.

ClinVar aggregate classification (germline): Conflicting classifications of pathogenicity. Review status: criteria provided, conflicting classifications (1 of 4 stars). 2 submissions from 2 submitters: Pathogenic (1); Uncertain significance (1). Last evaluated 2023-06-29.

Conditions:
Progressive external ophthalmoplegia with mitochondrial DNA deletions, autosomal recessive 5. Also called: PROGRESSIVE EXTERNAL OPHTHALMOPLEGIA, AUTOSOMAL RECESSIVE 5. Identifiers: MedGen C4748184, MONDO:0020845, OMIM 618098.
Inborn genetic diseases. Identifiers: MedGen C0950123, MeSH D030342.

Allele frequency attached by ClinVar (database versions not stated): gnomAD 0.00002; gnomAD exomes 0.00002; ESP Exome Variant Server 0.00008; TOPMed 0.00002.
gnomAD v4.1: 97 of 1,613,988 alleles (0.006%); highest among the groups gnomAD compares: Non-Finnish European, 0.0078%; no homozygotes.

Submissions (2):

Ambry Genetics
Classification: Pathogenic for Inborn genetic diseases. Last evaluated: 2023-06-29. Review status: criteria provided, single submitter. Criteria: Ambry Variant Classification Scheme 2023. Collection method: clinical testing. Allele origin: germline.
Comment: The c.1723A>G (p.M575V) alteration is located in exon 15 (coding exon 15) of the TOP3A gene. This alteration results from a A to G substitution at nucleotide position 1723, causing the methionine (M) at amino acid position 575 to be replaced by a valine (V). Based on data from gnomAD, the G allele has an overall frequency of 0.002% (6/282702) total alleles studied. The highest observed frequency was 0.005% (1/19942) of East Asian alleles. This variant has been identified in trans with a TOP3A likely pathogenic/pathogenic variant in multiple individuals diagnosed with clinical features consistent with TOP3A-related mitochondrial disease (Erdinc, 2023). This amino acid position is highly conserved in available vertebrate species. Based on internal structural analysis, this variant is anticipated to disrupt the DNA-binding activity of the protein (Bocquet, 2014; Erdinc, 2023). Functional assays show impaired DNA binding and topoisomerase activity in vitro (Erdinc, 2023). The in silico prediction for this alteration is inconclusive. Based on the available evidence, this alteration is classified as pathogenic.

Undiagnosed Diseases Network, NIH
Classification: Uncertain significance for Progressive external ophthalmoplegia with mitochondrial DNA deletions, autosomal recessive 5. Last evaluated: 2018-12-06. Review status: criteria provided, single submitter. Criteria: ACMG Guidelines, 2015. Collection method: clinical testing. Allele origin: maternal. Inheritance: Autosomal recessive inheritance. Affected: yes. Observed: 1 variant allele, 1 compound heterozygote.

Literature cited by the submitters: PubMed 24509834 (cited by Ambry Genetics); PubMed 37013609 (cited by Ambry Genetics).